The following is an entry in ClinVar:

NM_003722.5(TP63):c.709G>A (p.Val237Ile)

Gene: TP63 (tumor protein p63; plus strand). Cytogenetic location: 3q28.
Variant type: single nucleotide variant.
Coding change: c.709G>A on transcript NM_003722.5 (MANE Select); coding-DNA position 709, G replaced by A.
Protein change: p.Val237Ile; replaces valine 237 with isoleucine.
Molecular consequence: missense variant.
Genome position (GRCh38, 1-based): chr3:189,864,361, G>A. VCF-style: chr3-189864361-G-A. GRCh37 (hg19) VCF-style: chr3-189582150-G-A.
Other names: c.709G>A, p.Val237Ile (NM_001114978.2, NM_001114979.2, NM_001329144.2 and 1 more transcripts); c.427G>A, p.Val143Ile (NM_001114980.2, NM_001114981.2, NM_001114982.2 and 2 more transcripts); c.172G>A, p.Val58Ile (NM_001329146.2, NM_001329150.2); c.703G>A, p.Val235Ile (NM_001329964.2); short protein forms V143I, V235I, V58I, V237I.
Identifiers: ClinVar variation 1392776 (VCV001392776.9), dbSNP rs576751351, ClinGen allele CA2752230.

ClinVar aggregate classification (germline): Uncertain significance. Review status: criteria provided, multiple submitters, no conflicts (2 of 4 stars). 2 submissions from 2 submitters: Uncertain significance (2). Last evaluated 2025-02-02.

Conditions:
TP63-Related Spectrum Disorders.

Allele frequency attached by ClinVar (database versions not stated): ExAC 0.00001; gnomAD exomes 0.00001 and 0.00002; TOPMed 0.00001; gnomAD 0.00002 and 0.00004; 1000 Genomes Project 30x 0.00016; 1000 Genomes Project 0.00020.

Submissions (2):

Labcorp Genetics (formerly Invitae), Labcorp
Classification: Uncertain significance. Last evaluated: 2025-02-02. Review status: criteria provided, single submitter. Criteria: Invitae Variant Classification Sherloc (09022015). Collection method: clinical testing. Allele origin: germline.
Comment: This sequence change replaces valine, which is neutral and non-polar, with isoleucine, which is neutral and non-polar, at codon 237 of the TP63 protein (p.Val237Ile). This variant is present in population databases (rs576751351, gnomAD 0.0009%). This variant has not been reported in the literature in individuals affected with TP63-related conditions. ClinVar contains an entry for this variant (Variation ID: 1392776). Invitae Evidence Modeling incorporating data from in vitro experimental studies (internal data) indicates that this missense variant is not expected to disrupt TP63 function with a negative predictive value of 95%. In summary, the available evidence is currently insufficient to determine the role of this variant in disease. Therefore, it has been classified as a Variant of Uncertain Significance.

Blueprint Genetics
Classification: Uncertain significance. Last evaluated: 2022-03-25. Review status: criteria provided, single submitter. Criteria: ACMG Guidelines, 2015. Collection method: clinical testing. Allele origin: germline.